The following is an entry in ClinVar:

NM_012281.3(KCND2):c.1673C>T (p.Thr558Met)

Gene: KCND2 (potassium voltage-gated channel subfamily D member 2; plus strand). Cytogenetic location: 7q31.31.
Variant type: single nucleotide variant.
Coding change: c.1673C>T on transcript NM_012281.3 (MANE Select); coding-DNA position 1673, C replaced by T.
Protein change: p.Thr558Met; replaces threonine 558 with methionine.
Molecular consequence: missense variant.
Genome position (GRCh38, 1-based): chr7:120,745,985, C>T. VCF-style: chr7-120745985-C-T. GRCh37 (hg19) VCF-style: chr7-120386039-C-T.
Other names: short protein forms T558M.
Identifiers: ClinVar variation 1051027 (VCV001051027.9), dbSNP rs987040245, ClinGen allele CA165830129.

ClinVar aggregate classification (germline): Uncertain significance (1 of 4 stars; one submission).

Conditions:
Early Myoclonic Encephalopathy. Identifiers: MedGen C0270855.

Allele frequency attached by ClinVar (database versions not stated): gnomAD 0.00001; gnomAD exomes below 0.00001; TOPMed 0.00002.
gnomAD v4.1: 8 of 1,613,730 alleles (0.0005%); highest among the groups gnomAD compares: African/African-American, 0.004%; no homozygotes.

Submission:

Labcorp Genetics (formerly Invitae), Labcorp
Classification: Uncertain significance for Early Myoclonic Encephalopathy. Last evaluated: 2025-01-30. Review status: criteria provided, single submitter. Criteria: Invitae Variant Classification Sherloc (09022015). Collection method: clinical testing. Allele origin: germline.
Comment: This sequence change replaces threonine, which is neutral and polar, with methionine, which is neutral and non-polar, at codon 558 of the KCND2 protein (p.Thr558Met). The frequency data for this variant in the population databases is considered unreliable, as metrics indicate poor data quality at this position in the gnomAD database. This variant has not been reported in the literature in individuals affected with KCND2-related conditions. ClinVar contains an entry for this variant (Variation ID: 1051027). Invitae Evidence Modeling of protein sequence and biophysical properties (such as structural, functional, and spatial information, amino acid conservation, physicochemical variation, residue mobility, and thermodynamic stability) has been performed for this missense variant. However, the output from this modeling did not meet the statistical confidence thresholds required to predict the impact of this variant on KCND2 protein function. In summary, the available evidence is currently insufficient to determine the role of this variant in disease. Therefore, it has been classified as a Variant of Uncertain Significance.